The following is an entry in ClinVar:

ClinVar aggregate classification (germline): Pathogenic (1 of 4 stars; one submission).

Conditions:
Tuberous sclerosis 2 (TSC2). Identifiers: Orphanet 805, MedGen C1860707, MONDO:0013199, OMIM 613254.

Submission:

Labcorp Genetics (formerly Invitae), Labcorp
Classification: Pathogenic for Tuberous sclerosis 2. Last evaluated: 2025-04-22. Review status: criteria provided, single submitter. Criteria: Invitae Variant Classification Sherloc (09022015). Collection method: clinical testing. Allele origin: germline.
Comment: This sequence change creates a premature translational stop signal (p.Pro543Argfs*18) in the TSC2 gene. It is expected to result in an absent or disrupted protein product. Loss-of-function variants in TSC2 are known to be pathogenic (PMID: 10205261, 17304050). This variant is not present in population databases (gnomAD no frequency). This variant has not been reported in the literature in individuals affected with TSC2-related conditions. ClinVar contains an entry for this variant (Variation ID: 1452800). For these reasons, this variant has been classified as Pathogenic.

Literature cited by the submitters: PubMed 10205261; PubMed 17304050.

NM_000548.5(TSC2):c.1628del (p.Pro543fs)

Gene: TSC2 (TSC complex subunit 2; plus strand). Cytogenetic location: 16p13.3.
Variant type: Deletion.
Coding change: c.1628del on transcript NM_000548.5 (MANE Select); coding-DNA position 1628, one base deleted (C; older notation c.1628delC).
Protein change: p.Pro543fs; shifts the reading frame from proline 543.
Molecular consequence: frameshift variant.
Genome position (GRCh38, 1-based): chr16:2,065,547, C deleted; the last of 5 consecutive C bases (chr16:2,065,543-2,065,547); deleting any one gives the same sequence. VCF-style (leftmost placement, unchanged base first): chr16-2065542-AC-A. GRCh37 (hg19) VCF-style: chr16-2115543-AC-A.
Other names: c.1628del, p.Pro543fs (NM_001077183.3, NM_001114382.3, NM_001363528.2 and 3 more transcripts); c.1517del, p.Pro506fs (NM_001318827.2); c.1481del, p.Pro494fs (NM_001318829.2); c.1028del, p.Pro343fs (NM_001318831.2); c.1661del, p.Pro554fs (NM_001318832.2); short protein forms P554fs, P506fs, P543fs, P343fs, P494fs.
Identifiers: ClinVar variation 1452800 (VCV001452800.6), dbSNP rs397515204, ClinGen allele CA645594266.